The following is an entry in ClinVar:

ClinVar aggregate classification (germline): Likely benign. Review status: criteria provided, multiple submitters, no conflicts (2 of 4 stars). 2 submissions from 2 submitters: Likely benign (2). Last evaluated 2022-07-19.

Conditions:
Developmental and epileptic encephalopathy, 14 (DEE14). Also called: Early infantile epileptic encephalopathy 14. Identifiers: Orphanet 293181, MedGen C3554195, MONDO:0013989, OMIM 614959.
Autosomal dominant nocturnal frontal lobe epilepsy 5. Also called: CILIARY DYSKINESIA, PRIMARY, 28, WITH SITUS INVERSUS; Epilepsy, nocturnal frontal lobe, 5; CILIARY DYSKINESIA, PRIMARY, 28, WITHOUT SITUS INVERSUS; KCNT1-Related Epilepsy. Identifiers: Orphanet 98784, MedGen C3554306, MONDO:0014002, OMIM 615005.

Submissions (2):

Labcorp Genetics (formerly Invitae), Labcorp
Classification: Likely benign for Autosomal dominant nocturnal frontal lobe epilepsy 5; Developmental and epileptic encephalopathy, 14. Last evaluated: 2022-07-19. Review status: criteria provided, single submitter. Criteria: Invitae Variant Classification Sherloc (09022015). Collection method: clinical testing. Allele origin: germline.

GeneDx
Classification: Likely benign. Last evaluated: 2016-06-06. Review status: criteria provided, single submitter. Criteria: GeneDx Variant Classification (06012015). Collection method: clinical testing. Allele origin: germline. Affected: yes.
Comment: This variant is considered likely benign or benign based on one or more of the following criteria: it is a conservative change, it occurs at a poorly conserved position in the protein, it is predicted to be benign by multiple in silico algorithms, and/or has population frequency not consistent with disease.

NM_020822.3(KCNT1):c.1620-15_1620-5del

Gene: KCNT1 (potassium sodium-activated channel subfamily T member 1; plus strand). Cytogenetic location: 9q34.3.
Variant type: Deletion.
Coding change: c.1620-15_1620-5del on transcript NM_020822.3 (MANE Select); 15 bases into the intron before coding-DNA position 1620 through 5 bases into the intron before coding-DNA position 1620, 11 bases deleted (CGCCCTGGCCC).
Molecular consequence: intron variant.
Genome position (GRCh38, 1-based): chr9:135,770,283-135,770,293, CGCCCTGGCCC deleted; deleting any 11 consecutive bases within chr9:135,770,274-135,770,293 gives the same sequence; the c. name uses the placement nearest the transcript's 3' end. VCF-style (leftmost placement, unchanged base first): chr9-135770273-CCCCTGGCCCCG-C. GRCh37 (hg19) VCF-style: chr9-138662119-CCCCTGGCCCCG-C.
Other names: c.1620-15_1620-5delCGCCCTGGCCC (NM_020822.2); c.1485-15_1485-5del (NM_001272003.2).
Identifiers: ClinVar variation 421260 (VCV000421260.6), dbSNP rs761464076, ClinGen allele CA5327000.